The following is an entry in ClinVar:

ClinVar aggregate classification (germline): Uncertain significance (1 of 4 stars; one submission).

Conditions:
Charcot-Marie-Tooth disease, type I (CMT1). Also called: Charcot-Marie-Tooth disease type 1; Charcot-Marie-Tooth, Type 1. Identifiers: Orphanet 65753, MedGen C0751036, MONDO:0019011.

Submission:

Labcorp Genetics (formerly Invitae), Labcorp
Classification: Uncertain significance for Charcot-Marie-Tooth disease, type I. Last evaluated: 2022-11-07. Review status: criteria provided, single submitter. Criteria: Invitae Variant Classification Sherloc (09022015). Collection method: clinical testing. Allele origin: germline.
Comment: This variant disrupts the p.Tyr88 amino acid residue in MPZ. Other variant(s) that disrupt this residue have been observed in individuals with MPZ-related conditions (PMID: 27025386; Invitae), which suggests that this may be a clinically significant amino acid residue. This sequence change replaces tyrosine, which is neutral and polar, with serine, which is neutral and polar, at codon 88 of the MPZ protein (p.Tyr88Ser). This variant is not present in population databases (gnomAD no frequency). This variant has not been reported in the literature in individuals affected with MPZ-related conditions. ClinVar contains an entry for this variant (Variation ID: 945838). Advanced modeling of protein sequence and biophysical properties (such as structural, functional, and spatial information, amino acid conservation, physicochemical variation, residue mobility, and thermodynamic stability) performed at Invitae indicates that this missense variant is not expected to disrupt MPZ protein function. In summary, the available evidence is currently insufficient to determine the role of this variant in disease. Therefore, it has been classified as a Variant of Uncertain Significance.

Literature cited by the submitters: PubMed 27025386.

NM_000530.8(MPZ):c.263A>C (p.Tyr88Ser)

Gene: MPZ (myelin protein zero; minus strand). Cytogenetic location: 1q23.3.
Variant type: single nucleotide variant.
Coding change: c.263A>C on transcript NM_000530.8 (MANE Select); coding-DNA position 263, A replaced by C.
Protein change: p.Tyr88Ser; replaces tyrosine 88 with serine.
Molecular consequence: missense variant.
Genome position (GRCh38, 1-based): chr1:161,306,893, T>G on the plus strand (A>C on the coding strand, the complement: MPZ is on the minus strand). VCF-style: chr1-161306893-T-G. GRCh37 (hg19) VCF-style: chr1-161276683-T-G.
Other names: c.263A>C, p.Tyr88Ser (NM_001315491.2); short protein forms Y88S.
Identifiers: ClinVar variation 945838 (VCV000945838.9), dbSNP rs1553259700, ClinGen allele CA343349849.